The following is an entry in ClinVar:

NM_003242.6(TGFBR2):c.109A>C (p.Ile37Leu)

Gene: TGFBR2 (transforming growth factor beta receptor 2; plus strand). Cytogenetic location: 3p24.1.
Variant type: single nucleotide variant.
Coding change: c.109A>C on transcript NM_003242.6 (MANE Select); coding-DNA position 109, A replaced by C.
Protein change: p.Ile37Leu; replaces isoleucine 37 with leucine.
Molecular consequence: missense variant. On other transcripts: intron variant (2).
Genome position (GRCh38, 1-based): chr3:30,644,761, A>C. VCF-style: chr3-30644761-A-C. GRCh37 (hg19) VCF-style: chr3-30686253-A-C.
Other names: c.184A>C, p.Ile62Leu (NM_001024847.3, NM_001407126.1, NM_001407139.1); c.4A>C, p.Ile2Leu (NM_001407132.1, NM_001407129.1, NM_001407133.1 and 3 more transcripts); c.109A>C, p.Ile37Leu (NM_001407127.1, NM_001407130.1); c.136A>C, p.Ile46Leu (NM_001407128.1); c.169+21488A>C (NM_001407137.1); c.95-26877A>C (NM_001407138.1); short protein forms I46L, I62L, I37L, I2L.
Identifiers: ClinVar variation 2774562 (VCV002774562.3), dbSNP rs969666859, ClinGen allele CA351806322.

ClinVar aggregate classification (germline): Uncertain significance (1 of 4 stars; one submission).

Conditions:
Familial thoracic aortic aneurysm and aortic dissection (TAAD). Also called: Thoracic aortic aneurysms and dissections. Identifiers: Orphanet 91387, MedGen C4707243, MONDO:0019625.

Submission:

Color Diagnostics, LLC DBA Color Health
Classification: Uncertain significance for Familial thoracic aortic aneurysm and aortic dissection. Last evaluated: 2025-11-17. Review status: criteria provided, single submitter. Criteria: ACMG Guidelines, 2015. Collection method: clinical testing. Allele origin: germline.
Comment: This missense variant replaces isoleucine with leucine at codon 37 of the TGFBR2 protein. Computational prediction suggests that this variant may not impact protein structure and function. To our knowledge, functional studies have not been reported for this variant. This variant has not been reported in individuals affected with cardiovascular disorders in the literature. This variant has not been identified in the general population by the Genome Aggregation Database (gnomAD). The available evidence is insufficient to determine the role of this variant in disease conclusively. Therefore, this variant is classified as a Variant of Uncertain Significance.